The following is an entry in ClinVar:

ClinVar aggregate classification (germline): Likely benign (1 of 4 stars; one submission).

Submission:

CeGaT Center for Human Genetics Tuebingen
Classification: Likely benign. Last evaluated: 2026-04-01. Review status: criteria provided, single submitter. Criteria: CeGaT Center For Human Genetics Tuebingen Variant Classification Criteria Version 2. Collection method: clinical testing. Allele origin: germline. Affected: yes. Observed: 1 variant allele.
Comment: HNRNPU: BP4, BP7

NM_031844.3(HNRNPU):c.2229T>C (p.Gly743=)

Gene: HNRNPU (heterogeneous nuclear ribonucleoprotein U; minus strand). Cytogenetic location: 1q44.
Variant type: single nucleotide variant.
Coding change: c.2229T>C on transcript NM_031844.3 (MANE Select); coding-DNA position 2229, T replaced by C.
Protein change: p.Gly743=; no amino-acid change (glycine 743 retained).
Molecular consequence: synonymous variant.
Genome position (GRCh38, 1-based): chr1:244,855,547, A>G on the plus strand (T>C on the coding strand, the complement: HNRNPU is on the minus strand). VCF-style: chr1-244855547-A-G. GRCh37 (hg19) VCF-style: chr1-245018849-A-G.
Other names: c.2172T>C, p.Gly724= (NM_004501.3).
Identifiers: ClinVar variation 4874753 (VCV004874753.2).
Genomic context (GRCh38, chr1:244,855,547, plus strand): 5'-ACCACGGCCAGGAAAAACAGGGGCACGAGGGTATGGATAGCCGATTCCACCACTTCCTCC[A>G]CCGCCACCACCTCTCTGTGGCATGTTGCCCCTCCTATTATATCCGCCACGATTCCCAGGG-3'
Protein context (NP_114032.2, residues 733-753): RGNMPQRGGG[Gly743=]GGSGGIGYPY